The following is an entry in ClinVar:

ClinVar aggregate classification (germline): Uncertain significance. Review status: criteria provided, multiple submitters, no conflicts (2 of 4 stars). 2 submissions from 2 submitters: Uncertain significance (2). Last evaluated 2023-09-04.

Conditions:
Inborn genetic diseases. Identifiers: MedGen C0950123, MeSH D030342.
Baller-Gerold syndrome (BGS). Also called: CRANIOSYNOSTOSIS WITH RADIAL DEFECTS. Identifiers: Orphanet 1225, MedGen C0265308, MONDO:0009039, OMIM 218600.

Allele frequency attached by ClinVar (database versions not stated): TOPMed 0.00001.
gnomAD v4.1: 2 of 1,611,796 alleles (0.00012%); highest among the groups gnomAD compares: African/African-American, 0.0013%; no homozygotes.

Submissions (2):

Labcorp Genetics (formerly Invitae), Labcorp
Classification: Uncertain significance for Baller-Gerold syndrome. Last evaluated: 2023-09-04. Review status: criteria provided, single submitter. Criteria: Invitae Variant Classification Sherloc (09022015). Collection method: clinical testing. Allele origin: germline.
Comment: This sequence change replaces histidine, which is basic and polar, with glutamine, which is neutral and polar, at codon 362 of the RECQL4 protein (p.His362Gln). This variant is not present in population databases (gnomAD no frequency). This variant has not been reported in the literature in individuals affected with RECQL4-related conditions. ClinVar contains an entry for this variant (Variation ID: 1436433). Advanced modeling of protein sequence and biophysical properties (such as structural, functional, and spatial information, amino acid conservation, physicochemical variation, residue mobility, and thermodynamic stability) performed at Invitae indicates that this missense variant is not expected to disrupt RECQL4 protein function. In summary, the available evidence is currently insufficient to determine the role of this variant in disease. Therefore, it has been classified as a Variant of Uncertain Significance.

Ambry Genetics
Classification: Uncertain significance for Inborn genetic diseases. Last evaluated: 2022-01-16. Review status: criteria provided, single submitter. Criteria: Ambry Variant Classification Scheme 2023. Collection method: clinical testing. Allele origin: germline.

NM_004260.4(RECQL4):c.1086C>G (p.His362Gln)

Gene: RECQL4 (RecQ like helicase 4; minus strand). Cytogenetic location: 8q24.3.
Variant type: single nucleotide variant.
Coding change: c.1086C>G on transcript NM_004260.4 (MANE Select); coding-DNA position 1086, C replaced by G.
Protein change: p.His362Gln; replaces histidine 362 with glutamine.
Molecular consequence: missense variant.
Genome position (GRCh38, 1-based): chr8:144,516,033, G>C on the plus strand (C>G on the coding strand, the complement: RECQL4 is on the minus strand). VCF-style: chr8-144516033-G-C. GRCh37 (hg19) VCF-style: chr8-145741417-G-C.
Other names: c.1086C>G (NM_004260.3); short protein forms H362Q.
Identifiers: ClinVar variation 1436433 (VCV001436433.7), dbSNP rs1828136142, ClinGen allele CA372688101.